The following is an entry in ClinVar:

NM_015631.6(TCTN3):c.710del (p.Gly237fs)

Gene: TCTN3 (tectonic family member 3; minus strand). Cytogenetic location: 10q24.1.
Variant type: Deletion.
Coding change: c.710del on transcript NM_015631.6 (MANE Select); coding-DNA position 710, one base deleted (G; older notation c.710delG).
Protein change: p.Gly237fs; shifts the reading frame from glycine 237.
Molecular consequence: frameshift variant. On other transcripts: intron variant (1).
Genome position (GRCh38, 1-based): chr10:95,687,273, C deleted on the plus strand (G on the coding strand, the reverse complement: TCTN3 is on the minus strand); the first of 5 consecutive C bases (chr10:95,687,273-95,687,277); deleting any one gives the same sequence. VCF-style (leftmost placement, unchanged base first): chr10-95687272-TC-T. GRCh37 (hg19) VCF-style: chr10-97447029-TC-T.
Other names: c.500-114del (NM_001143973.2); short protein forms G237fs.
Identifiers: ClinVar variation 1384470 (VCV001384470.7), dbSNP rs779729881, ClinGen allele CA5621087.
Genomic context (GRCh38, chr10:95,687,272, plus strand): 5'-GAATGAAAAGGTTGGTACTTTTGCTCTGGATTCACCTGCAGGATTGCTTTCAGCACAGAG[TC>T]CCCCAGCTCCAACTCCTGCAGGTTGTCTCAGCAAGCTTATTACAGACCACTTGGGGAAGT-3'

ClinVar aggregate classification (germline): Pathogenic/Likely pathogenic. Review status: criteria provided, multiple submitters, no conflicts (2 of 4 stars). 2 submissions from 2 submitters: Pathogenic (1); Likely pathogenic (1). Last evaluated 2024-05-14.

Conditions:
Joubert syndrome 18 (JBTS18). Identifiers: Orphanet 2754, MedGen C3553758, MONDO:0013896, OMIM 614815.
Orofacial-digital syndrome IV (OFD4). Also called: BARAITSER-BURN SYNDROME; MOHR-MAJEWSKI SYNDROME; OFD SYNDROME WITH TIBIAL DEFECTS; OFD SYNDROME, BARAITSER-BURN TYPE; OFDS IV; ORAL-FACIAL-DIGITAL SYNDROME, TYPE IV. Identifiers: Orphanet 2753, MedGen C0406727, MONDO:0009794, OMIM 258860.

Submissions (2):

Fulgent Genetics
Classification: Likely pathogenic for Orofacial-digital syndrome IV; Joubert syndrome 18. Last evaluated: 2024-05-14. Review status: criteria provided, single submitter. Criteria: ACMG Guidelines, 2015. Collection method: clinical testing. Allele origin: germline.

Labcorp Genetics (formerly Invitae), Labcorp
Classification: Pathogenic for Joubert syndrome 18; Orofacial-digital syndrome IV. Last evaluated: 2021-11-22. Review status: criteria provided, single submitter. Criteria: Invitae Variant Classification Sherloc (09022015). Collection method: clinical testing. Allele origin: germline.
Comment: For these reasons, this variant has been classified as Pathogenic. This variant has not been reported in the literature in individuals affected with TCTN3-related conditions. This variant is present in population databases (rs779729881, gnomAD 0.007%). This sequence change creates a premature translational stop signal (p.Gly237Aspfs*12) in the TCTN3 gene. It is expected to result in an absent or disrupted protein product. Loss-of-function variants in TCTN3 are known to be pathogenic (PMID: 2692869, 22883145, 25118024).

Literature cited by the submitters: PubMed 2692869 (cited by Labcorp Genetics (formerly Invitae), Labcorp); PubMed 22883145 (cited by Labcorp Genetics (formerly Invitae), Labcorp); PubMed 25118024 (cited by Labcorp Genetics (formerly Invitae), Labcorp).